The following is an entry in ClinVar:

NM_001202543.1:c.3655+190_*301del

Gene: CUX1 (cut like homeobox 1; plus strand).
Variant type: Deletion.
Identifiers: ClinVar variation 4008410 (VCV004008410.1).

ClinVar aggregate classification (germline): Pathogenic (1 of 4 stars; one submission).

Conditions:
Inborn genetic diseases. Identifiers: MedGen C0950123, MeSH D030342.

Submission:

Ambry Genetics
Classification: Pathogenic for Inborn genetic diseases. Last evaluated: 2025-05-31. Review status: criteria provided, single submitter. Criteria: Ambry Variant Classification Scheme 2023. Collection method: clinical testing. Allele origin: germline.
Comment: The EX23_3&rsquo;UTRdel gross deletion spans coding exon 23 through the 3' untranslated region (UTR) in the CUX1 gene; however, the exact breakpoints of the deletion were not determined. This deletion impacts the 3' terminus of the CUX1 gene and may not trigger nonsense-mediated mRNA decay. However, gross deletions are typically deleterious in nature, and the impacted region is critical for protein function (Ambry internal data). This variant was not reported in population-based cohorts in the Genome Aggregation Database (gnomAD). Based on the available evidence, this alteration is classified as pathogenic.